The following is an entry in ClinVar:

NM_017739.4(POMGNT1):c.1939C>T (p.Pro647Ser)

Genes: POMGNT1 (protein O-linked mannose N-acetylglucosaminyltransferase 1 (beta 1,2-); minus strand), TSPAN1 (tetraspanin 1; plus strand). Cytogenetic location: 1p34.1.
Variant type: single nucleotide variant.
Coding change: c.1939C>T on transcript NM_017739.4 (MANE Select); coding-DNA position 1939, C replaced by T.
Protein change: p.Pro647Ser; replaces proline 647 with serine.
Molecular consequence: missense variant. On other transcripts: intron variant (1).
Genome position (GRCh38, 1-based): chr1:46,189,314, G>A on the plus strand (C>T on the coding strand, the complement: POMGNT1 is on the minus strand). VCF-style: chr1-46189314-G-A. GRCh37 (hg19) VCF-style: chr1-46654986-G-A.
Other names: c.1913C>T, p.Thr638Ile (NM_001243766.2); c.1873C>T, p.Pro625Ser (NM_001290129.3); c.1510C>T, p.Pro504Ser (NM_001290130.2); c.1895+144C>T (NM_001410783.1); short protein forms P504S, P625S, P647S, T638I.
Identifiers: ClinVar variation 2005306 (VCV002005306.4), dbSNP rs2148161781, ClinGen allele CA340170315.

ClinVar aggregate classification (germline): Uncertain significance (1 of 4 stars; one submission).

Conditions:
Autosomal recessive limb-girdle muscular dystrophy type 2O. Also called: Limb-Girdle Muscular Dystrophy Type 3C; MUSCULAR DYSTROPHY-DYSTROGLYCANOPATHY (LIMB-GIRDLE), TYPE C, 3; MUSCULAR DYSTROPHY-DYSTROGLYCANOPATHY, LIMB-GIRDLE, POMGNT1-RELATED. Identifiers: Orphanet 206564, MedGen C3150417, MONDO:0013161, OMIM 613157.
Muscular dystrophy-dystroglycanopathy (congenital with impaired intellectual development), type B, 3. Also called: MUSCULAR DYSTROPHY, CONGENITAL, POMGNT1-RELATED; Muscular dystrophy-dystroglycanopathy (congenital with intellectual disability), type B3. Identifiers: MedGen C3150412, MONDO:0013155, OMIM 613151.

Submission:

Labcorp Genetics (formerly Invitae), Labcorp
Classification: Uncertain significance for Autosomal recessive limb-girdle muscular dystrophy type 2O; Muscular dystrophy-dystroglycanopathy (congenital with impaired intellectual development), type B, 3. Last evaluated: 2024-12-16. Review status: criteria provided, single submitter. Criteria: Invitae Variant Classification Sherloc (09022015). Collection method: clinical testing. Allele origin: germline.
Comment: This sequence change replaces proline, which is neutral and non-polar, with serine, which is neutral and polar, at codon 647 of the POMGNT1 protein (p.Pro647Ser). This variant is not present in population databases (gnomAD no frequency). This variant has not been reported in the literature in individuals affected with POMGNT1-related conditions. ClinVar contains an entry for this variant (Variation ID: 2005306). Invitae Evidence Modeling of protein sequence and biophysical properties (such as structural, functional, and spatial information, amino acid conservation, physicochemical variation, residue mobility, and thermodynamic stability) indicates that this missense variant is not expected to disrupt POMGNT1 protein function with a negative predictive value of 95%. In summary, the available evidence is currently insufficient to determine the role of this variant in disease. Therefore, it has been classified as a Variant of Uncertain Significance.